The following is an entry in ClinVar:

NM_015922.3(NSDHL):c.1037C>G (p.Ala346Gly)

Gene: NSDHL (NAD(P) dependent 3-beta-hydroxysteroid dehydrogenase NSDHL; plus strand). Cytogenetic location: Xq28.
Variant type: single nucleotide variant.
Coding change: c.1037C>G on transcript NM_015922.3 (MANE Select); coding-DNA position 1037, C replaced by G.
Protein change: p.Ala346Gly; replaces alanine 346 with glycine.
Molecular consequence: missense variant.
Genome position (GRCh38, 1-based): chrX:152,869,031, C>G. VCF-style: chrX-152869031-C-G. GRCh37 (hg19) VCF-style: chrX-152037575-C-G.
Other names: c.1037C>G, p.Ala346Gly (NM_001129765.2); short protein forms A346G.
Identifiers: ClinVar variation 1055356 (VCV001055356.10), dbSNP rs782563536, ClinGen allele CA415287563.

ClinVar aggregate classification (germline): Uncertain significance. Review status: criteria provided, multiple submitters, no conflicts (2 of 4 stars). 2 submissions from 2 submitters: Uncertain significance (2). Last evaluated 2024-04-24.

Conditions:
Child syndrome. Also called: CHILD (Congenital Hemidysplasia with Ichthyosiform Nevus and Limb Defects) Syndrome. Identifiers: Orphanet 139, MedGen C0265267, MONDO:0010621, OMIM 308050.
CK syndrome. Also called: MENTAL RETARDATION, X-LINKED, WITH THIN BODY HABITUS AND CORTICAL MALFORMATION. Identifiers: Orphanet 251383, MedGen C3151781, MONDO:0010441, OMIM 300831.

Allele frequency attached by ClinVar (database versions not stated): gnomAD exomes below 0.00001.
gnomAD v4.1: 1 of 1,211,824 alleles (0.000083%); highest among the groups gnomAD compares: Admixed American, 0.0022%; no homozygotes.

Submissions (2):

Fulgent Genetics
Classification: Uncertain significance for CK syndrome; Child syndrome. Last evaluated: 2024-04-24. Review status: criteria provided, single submitter. Criteria: ACMG Guidelines, 2015. Collection method: clinical testing. Allele origin: germline.

Labcorp Genetics (formerly Invitae), Labcorp
Classification: Uncertain significance. Last evaluated: 2020-02-11. Review status: criteria provided, single submitter. Criteria: Invitae Variant Classification Sherloc (09022015). Collection method: clinical testing. Allele origin: germline.
Comment: This sequence change replaces alanine with glycine at codon 346 of the NSDHL protein (p.Ala346Gly). The alanine residue is weakly conserved and there is a small physicochemical difference between alanine and glycine. This variant has not been reported in the literature in individuals with NSDHL-related conditions. This variant is not present in population databases (ExAC no frequency). In summary, the available evidence is currently insufficient to determine the role of this variant in disease. Therefore, it has been classified as a Variant of Uncertain Significance. Algorithms developed to predict the effect of missense changes on protein structure and function (SIFT, PolyPhen-2, Align-GVGD) all suggest that this variant is likely to be tolerated, but these predictions have not been confirmed by published functional studies and their clinical significance is uncertain.